The following is an entry in ClinVar:

NM_015692.5(CPAMD8):c.2075C>T (p.Thr692Met)

Gene: CPAMD8 (C3 and PZP like alpha-2-macroglobulin domain containing 8; minus strand). Cytogenetic location: 19p13.11.
Variant type: single nucleotide variant.
Coding change: c.2075C>T on transcript NM_015692.5 (MANE Select); coding-DNA position 2075, C replaced by T.
Protein change: p.Thr692Met; replaces threonine 692 with methionine.
Molecular consequence: missense variant. On other transcripts: non-coding transcript variant (1).
Genome position (GRCh38, 1-based): chr19:16,971,029, G>A on the plus strand (C>T on the coding strand, the complement: CPAMD8 is on the minus strand). VCF-style: chr19-16971029-G-A. GRCh37 (hg19) VCF-style: chr19-17081839-G-A.
Other names: c.2216C>T (NM_015692.2); short protein forms T692M.
Identifiers: ClinVar variation 2164099 (VCV002164099.5), dbSNP rs753298491, ClinGen allele CA9285438.

ClinVar aggregate classification (germline): Uncertain significance. Review status: criteria provided, multiple submitters, no conflicts (2 of 4 stars). 2 submissions from 2 submitters: Uncertain significance (2). Last evaluated 2025-09-08.

Conditions:
Inborn genetic diseases. Identifiers: MedGen C0950123, MeSH D030342.

Allele frequency attached by ClinVar (database versions not stated): ExAC 0.00002; gnomAD 0.00007; TOPMed 0.00007; gnomAD exomes 0.00009.
gnomAD v4.1: 142 of 1,599,986 alleles (0.0089%); highest among the groups gnomAD compares: Non-Finnish European, 0.011%; no homozygotes.

Submissions (2):

Labcorp Genetics (formerly Invitae), Labcorp
Classification: Uncertain significance. Last evaluated: 2025-09-08. Review status: criteria provided, single submitter. Criteria: Invitae Variant Classification Sherloc (09022015). Collection method: clinical testing. Allele origin: germline.
Comment: This sequence change replaces threonine, which is neutral and polar, with methionine, which is neutral and non-polar, at codon 739 of the CPAMD8 protein (p.Thr739Met). This variant is present in population databases (rs753298491, gnomAD 0.006%). This variant has not been reported in the literature in individuals affected with CPAMD8-related conditions. ClinVar contains an entry for this variant (Variation ID: 2164099). An algorithm developed to predict the effect of missense changes on protein structure and function (PolyPhen-2) suggests that this variant is likely to be tolerated. In summary, the available evidence is currently insufficient to determine the role of this variant in disease. Therefore, it has been classified as a Variant of Uncertain Significance.

Ambry Genetics
Classification: Uncertain significance for Inborn genetic diseases. Last evaluated: 2024-07-02. Review status: criteria provided, single submitter. Criteria: Ambry Variant Classification Scheme 2023. Collection method: clinical testing. Allele origin: germline.